The following is an entry in ClinVar:

NM_001101362.3(KBTBD13):c.64C>G (p.Arg22Gly)

Gene: KBTBD13 (kelch repeat and BTB domain containing 13; plus strand). Cytogenetic location: 15q22.31.
Variant type: single nucleotide variant.
Coding change: c.64C>G on transcript NM_001101362.3 (MANE Select); coding-DNA position 64, C replaced by G.
Protein change: p.Arg22Gly; replaces arginine 22 with glycine.
Molecular consequence: missense variant.
Genome position (GRCh38, 1-based): chr15:65,076,879, C>G. VCF-style: chr15-65076879-C-G. GRCh37 (hg19) VCF-style: chr15-65369217-C-G.
Other names: short protein forms R22G.
Identifiers: ClinVar variation 532992 (VCV000532992.9), dbSNP rs1193653136, ClinGen allele CA392855987.
Genomic context (GRCh38, chr15:65,076,879, plus strand): 5'-GCACGGGGTCCACAGACCCTGGTGCAGGTGTGGGTGGGCGGCCAGCTCTTCCAAGCCGAC[C>G]GCGCCCTGCTGGTGGAGCACTGTGGCTTCTTCCGAGGCCTCTTCCGCTCCGGCATGCGGG-3'
Protein context (NP_001094832.1, residues 12-32): WVGGQLFQAD[Arg22Gly]ALLVEHCGFF

ClinVar aggregate classification (germline): Uncertain significance. Review status: criteria provided, single submitter (1 of 4 stars). 2 submissions from 2 submitters: Uncertain significance (1). 1 of the submissions does not count toward it. Last evaluated 2017-11-20.

Conditions:
Nemaline myopathy 6 (NEM6). Also called: Nemaline myopathy 6, autosomal dominant. Identifiers: Orphanet 171439, MedGen C1836472, MONDO:0012237, OMIM 609273.

Allele frequency attached by ClinVar (database versions not stated): gnomAD 0.00001; TOPMed below 0.00001.

Submissions (2):

Labcorp Genetics (formerly Invitae), Labcorp
Classification: Uncertain significance for Nemaline myopathy 6. Last evaluated: 2017-11-20. Review status: criteria provided, single submitter. Criteria: Invitae Variant Classification Sherloc (09022015). Collection method: clinical testing. Allele origin: germline.
Comment: In summary, the available evidence is currently insufficient to determine the role of this variant in disease. Therefore, it has been classified as a Variant of Uncertain Significance. Algorithms developed to predict the effect of missense changes on protein structure and function do not agree on the potential impact of this missense change (SIFT: "Deleterious"; PolyPhen-2: "Possibly Damaging"; Align-GVGD: "Class C0"). This variant has not been reported in the literature in individuals with KBTBD13-related disease. This variant is not present in population databases (ExAC no frequency). This sequence change replaces arginine with glycine at codon 22 of the KBTBD13 protein (p.Arg22Gly). The arginine residue is weakly conserved and there is a moderate physicochemical difference between arginine and glycine.

Department of Pathology and Laboratory Medicine, Sinai Health System
Classification: Uncertain significance. Review status: no assertion criteria provided. Collection method: clinical testing. Allele origin: unknown. Affected: yes. Study: The Canadian Open Genetics Repository (COGR). Not counted in ClinVar's aggregate classification.